The following is an entry in ClinVar:

ClinVar aggregate classification (germline): Conflicting classifications of pathogenicity. Review status: criteria provided, conflicting classifications (1 of 4 stars). 3 submissions from 3 submitters: Likely pathogenic (1); Uncertain significance (2). Last evaluated 2025-08-23.

Conditions:
Progressive myoclonic epilepsy. Also called: Myoclonic Epilepsies, Progressive; Myoclonus epilepsy; Progressive myoclonus epilepsy; Familial progressive myoclonic epilepsy. Identifiers: Orphanet 308, Orphanet 98261, MedGen C0751778, MONDO:0020074.
Unverricht-Lundborg syndrome. Also called: Myoclonic epilepsy of unverricht and lundborg; Epilepsy, progressive myoclonic 1A (Unverricht and Lundborg); EPILEPSY, PROGRESSIVE MYOCLONIC, 1A; Progressive myoclonus epilepsy baltic myoclonic epilepsy; Myoclonus progressive epilepsy of Unverricht and Lundborg; Unverricht-Lundborg Disease. Identifiers: Orphanet 308, MedGen C0751785, MONDO:0009698, OMIM 254800.

Submissions (3):

Centre for Medical Genetics,  Mumbai
Classification: Likely pathogenic for Unverricht-Lundborg syndrome. Last evaluated: 2025-08-23. Review status: criteria provided, single submitter. Criteria: ACMG Guidelines, 2015. Collection method: clinical testing. Allele origin: germline. Affected: yes. Observed: 1 homozygote.

Labcorp Genetics (formerly Invitae), Labcorp
Classification: Uncertain significance for Progressive myoclonic epilepsy. Last evaluated: 2024-12-02. Review status: criteria provided, single submitter. Criteria: Invitae Variant Classification Sherloc (09022015). Collection method: clinical testing. Allele origin: germline.
Comment: This sequence change creates a premature translational stop signal (p.Asn84Thrfs*11) in the CSTB gene. While this is not anticipated to result in nonsense mediated decay, it is expected to disrupt the last 15 amino acid(s) of the CSTB protein. This variant is not present in population databases (gnomAD no frequency). This variant has not been reported in the literature in individuals affected with CSTB-related conditions. ClinVar contains an entry for this variant (Variation ID: 502097). Experimental studies and prediction algorithms are not available or were not evaluated, and the functional significance of this variant is currently unknown. In summary, the available evidence is currently insufficient to determine the role of this variant in disease. Therefore, it has been classified as a Variant of Uncertain Significance.

Eurofins Ntd Llc (ga)
Classification: Uncertain significance. Last evaluated: 2017-06-06. Review status: criteria provided, single submitter. Criteria: EGL Classification Definitions 2015. Collection method: clinical testing. Allele origin: germline. Observed: 2 variant alleles, 2 heterozygotes.

NM_000100.4(CSTB):c.251_254del (p.Asn84fs)

Gene: CSTB (cystatin B; minus strand). Cytogenetic location: 21q22.3.
Variant type: Deletion.
Coding change: c.251_254del on transcript NM_000100.4 (MANE Select); coding-DNA positions 251 to 254, 4 bases deleted (ACTA; older notation c.251_254delACTA).
Protein change: p.Asn84fs; shifts the reading frame from asparagine 84.
Molecular consequence: frameshift variant.
Genome position (GRCh38, 1-based): chr21:43,774,245-43,774,248, TAGT deleted on the plus strand (ACTA on the coding strand, the reverse complement: CSTB is on the minus strand); deleting any 4 consecutive bases within chr21:43,774,245-43,774,251 gives the same sequence; the c. name uses the placement nearest the transcript's 3' end. VCF-style (leftmost placement, unchanged base first): chr21-43774244-GTAGT-G. GRCh37 (hg19) VCF-style: chr21-45194125-GTAGT-G.
Other names: short protein forms N84fs.
Identifiers: ClinVar variation 502097 (VCV000502097.10), dbSNP rs1555888363, ClinGen allele CA658799461.